The following is an entry in ClinVar:

NM_153614.4(DNAJB13):c.493-3T>C

Gene: DNAJB13 (DnaJ heat shock protein family (Hsp40) member B13; plus strand). Cytogenetic location: 11q13.4.
Variant type: single nucleotide variant.
Coding change: c.493-3T>C on transcript NM_153614.4 (MANE Select); 3 bases into the intron before coding-DNA position 493, T replaced by C.
Molecular consequence: intron variant.
Genome position (GRCh38, 1-based): chr11:73,966,135, T>C. VCF-style: chr11-73966135-T-C. GRCh37 (hg19) VCF-style: chr11-73677180-T-C.
Other names: c.319-3T>C (NM_001377263.1).
Identifiers: ClinVar variation 1347238 (VCV001347238.26), dbSNP rs144296663, ClinGen allele CA6180787.

ClinVar aggregate classification (germline): Conflicting classifications of pathogenicity. Review status: criteria provided, conflicting classifications (1 of 4 stars). 3 submissions from 3 submitters: Uncertain significance (1); Likely benign (2). Last evaluated 2024-09-10.

Allele frequency attached by ClinVar (database versions not stated): gnomAD exomes 0.00026 and 0.00048; ExAC 0.00034; TOPMed 0.00038; 1000 Genomes Project 0.00040; gnomAD 0.00042 and 0.00044; 1000 Genomes Project 30x 0.00047; ESP Exome Variant Server 0.00054.
gnomAD v4.1: 757 of 1,611,406 alleles (0.047%); highest among the groups gnomAD compares: Non-Finnish European, 0.058%; no homozygotes.

Submissions (3):

Blueprint Genetics
Classification: Likely benign. Last evaluated: 2024-09-10. Review status: criteria provided, single submitter. Criteria: ACMG Guidelines, 2015. Collection method: clinical testing. Allele origin: germline.

CeGaT Center for Human Genetics Tuebingen
Classification: Likely benign. Last evaluated: 2023-12-01. Review status: criteria provided, single submitter. Criteria: CeGaT Center For Human Genetics Tuebingen Variant Classification Criteria Version 2. Collection method: clinical testing. Allele origin: germline. Affected: yes. Observed: 1 variant allele.
Comment: DNAJB13: BP4

Labcorp Genetics (formerly Invitae), Labcorp
Classification: Uncertain significance. Last evaluated: 2022-08-21. Review status: criteria provided, single submitter. Criteria: Invitae Variant Classification Sherloc (09022015). Collection method: clinical testing. Allele origin: germline.
Comment: This sequence change falls in intron 4 of the DNAJB13 gene. It does not directly change the encoded amino acid sequence of the DNAJB13 protein. It affects a nucleotide within the consensus splice site. This variant is present in population databases (rs144296663, gnomAD 0.07%). This variant has not been reported in the literature in individuals affected with DNAJB13-related conditions. ClinVar contains an entry for this variant (Variation ID: 1347238). Variants that disrupt the consensus splice site are a relatively common cause of aberrant splicing (PMID: 17576681, 9536098). Algorithms developed to predict the effect of sequence changes on RNA splicing suggest that this variant is not likely to affect RNA splicing. In summary, the available evidence is currently insufficient to determine the role of this variant in disease. Therefore, it has been classified as a Variant of Uncertain Significance.

Literature cited by the submitters: PubMed 17576681 (cited by Labcorp Genetics (formerly Invitae), Labcorp); PubMed 9536098 (cited by Labcorp Genetics (formerly Invitae), Labcorp).